The following is an entry in ClinVar:

NM_025216.3(WNT10A):c.152del (p.Pro51fs)

Gene: WNT10A (Wnt family member 10A; plus strand). Cytogenetic location: 2q35.
Variant type: Deletion.
Coding change: c.152del on transcript NM_025216.3 (MANE Select); coding-DNA position 152, one base deleted (C; older notation c.152delC).
Protein change: p.Pro51fs; shifts the reading frame from proline 51.
Molecular consequence: frameshift variant.
Genome position (GRCh38, 1-based): chr2:218,882,199, C deleted; the last of 6 consecutive C bases (chr2:218,882,194-218,882,199); deleting any one gives the same sequence. VCF-style (leftmost placement, unchanged base first): chr2-218882193-TC-T. GRCh37 (hg19) VCF-style: chr2-219746915-TC-T.
Other names: short protein forms P51fs.
Identifiers: ClinVar variation 2947030 (VCV002947030.3), dbSNP rs749297006, ClinGen allele CA2113841.
Genomic context (GRCh38, chr2:218,882,193, plus strand): 5'-GTACCCACTCCACCCCATATGTCTGCAGGTCAGCACCCAATGACATTCTGGACCTCCGCC[TC>T]CCCCCGGAGCCCGTGCTCAATGCCAACACAGTGTGCCTAACATTGCCAGGCCTGAGCCGG-3'

ClinVar aggregate classification (germline): Pathogenic (1 of 4 stars; one submission).

Conditions:
Odonto-onycho-dermal dysplasia. Identifiers: Orphanet 2721, MedGen C0796093, MONDO:0009773, OMIM 257980.
Tooth agenesis, selective, 4 (STHAG4). Also called: LATERAL INCISORS, ABSENCE OF; LATERAL INCISORS, PEGGED OR MISSING; SUCCEDANEOUS TEETH, AGENESIS OF; TOOTH AGENESIS, SELECTIVE, 4, WITH OR WITHOUT ECTODERMAL DYSPLASIA. Identifiers: Orphanet 99798, MedGen C1835492, MONDO:0007881, OMIM 150400. Disease mechanism: loss of function.

Submission:

Labcorp Genetics (formerly Invitae), Labcorp
Classification: Pathogenic for Tooth agenesis, selective, 4; Odonto-onycho-dermal dysplasia. Last evaluated: 2023-04-23. Review status: criteria provided, single submitter. Criteria: Invitae Variant Classification Sherloc (09022015). Collection method: clinical testing. Allele origin: germline.
Comment: This sequence change creates a premature translational stop signal (p.Pro51Argfs*12) in the WNT10A gene. It is expected to result in an absent or disrupted protein product. Loss-of-function variants in WNT10A are known to be pathogenic (PMID: 17847007, 22581971, 25629078). The frequency data for this variant in the population databases is considered unreliable, as metrics indicate poor data quality at this position in the gnomAD database. This variant has not been reported in the literature in individuals affected with WNT10A-related conditions. For these reasons, this variant has been classified as Pathogenic.

Literature cited by the submitters: PubMed 17847007; PubMed 22581971; PubMed 25629078.